The following is an entry in ClinVar:

NM_001754.5(RUNX1):c.1097T>A (p.Ile366Asn)

Gene: RUNX1 (RUNX family transcription factor 1; minus strand). Cytogenetic location: 21q22.12.
Variant type: single nucleotide variant.
Coding change: c.1097T>A on transcript NM_001754.5 (MANE Select); coding-DNA position 1097, T replaced by A.
Protein change: p.Ile366Asn; replaces isoleucine 366 with asparagine.
Molecular consequence: missense variant.
Genome position (GRCh38, 1-based): chr21:34,792,481, A>T on the plus strand (T>A on the coding strand, the complement: RUNX1 is on the minus strand). VCF-style: chr21-34792481-A-T. GRCh37 (hg19) VCF-style: chr21-36164778-A-T.
Other names: c.1016T>A, p.Ile339Asn (NM_001001890.3); short protein forms I366N, I339N.
Identifiers: ClinVar variation 5028592 (VCV005028592.1).

ClinVar aggregate classification (germline): Uncertain significance (1 of 4 stars; one submission).

Conditions:
Inborn genetic diseases. Identifiers: MedGen C0950123, MeSH D030342.

Submission:

Ambry Genetics
Classification: Uncertain significance for Inborn genetic diseases. Last evaluated: 2026-07-28. Review status: criteria provided, single submitter. Criteria: Ambry Variant Classification Scheme 2023. Collection method: clinical testing. Allele origin: germline.
Comment: The p.I366N variant (also known as c.1097T>A), located in coding exon 8 of the RUNX1 gene, results from a T to A substitution at nucleotide position 1097. The isoleucine at codon 366 is replaced by asparagine, an amino acid with dissimilar properties. This amino acid position is conserved. In addition, the in silico prediction for this alteration is inconclusive. Based on the available evidence, the clinical significance of this variant remains unclear.